The following is an entry in ClinVar:

ClinVar aggregate classification (germline): Uncertain significance. Review status: criteria provided, multiple submitters, no conflicts (2 of 4 stars). 2 submissions from 2 submitters: Uncertain significance (2). Last evaluated 2025-08-28.

Conditions:
LEPR-related disorder. Also called: LEPR-related disorders; LEPR-related condition.
Inborn genetic diseases. Identifiers: MedGen C0950123, MeSH D030342.

gnomAD v4.1: 63 of 1,613,986 alleles (0.0039%); highest among the groups gnomAD compares: Middle Eastern, 0.016%; 1 homozygote.

Submissions (2):

Ambry Genetics
Classification: Uncertain significance for Inborn genetic diseases. Last evaluated: 2025-08-28. Review status: criteria provided, single submitter. Criteria: Ambry Variant Classification Scheme 2023. Collection method: clinical testing. Allele origin: germline.

PreventionGenetics, part of Exact Sciences
Classification: Uncertain significance for LEPR-related condition. Last evaluated: 2024-10-11. Review status: criteria provided, single submitter. Criteria: ACMG Guidelines, 2015. Collection method: clinical testing. Allele origin: germline.
Comment: The LEPR c.2977T>C variant is predicted to result in the amino acid substitution p.Ser993Pro. This variant was observed in a cohort of individuals with obesity, and in vitro functional studies showed function similar to wild-type levels (Supplemental Data Set, Shah et al. 2023. PubMed ID: 36864747). This variant is reported in 0.0044% of alleles in individuals of European (non-Finnish) descent in gnomAD, including one homozygous individual. At this time, the clinical significance of this variant is uncertain due to the absence of conclusive functional and genetic evidence.

NM_002303.6(LEPR):c.2977T>C (p.Ser993Pro)

Gene: LEPR (leptin receptor; plus strand). Cytogenetic location: 1p31.3.
Variant type: single nucleotide variant.
Coding change: c.2977T>C on transcript NM_002303.6 (MANE Select); coding-DNA position 2977, T replaced by C.
Protein change: p.Ser993Pro; replaces serine 993 with proline.
Molecular consequence: missense variant.
Genome position (GRCh38, 1-based): chr1:65,636,494, T>C. VCF-style: chr1-65636494-T-C. GRCh37 (hg19) VCF-style: chr1-66102177-T-C.
Other names: short protein forms S993P.
Identifiers: ClinVar variation 4097325 (VCV004097325.2).